The following is an entry in ClinVar:

ClinVar aggregate classification (germline): Likely benign. Review status: criteria provided, multiple submitters, no conflicts (2 of 4 stars). 5 submissions from 5 submitters: Likely benign (4). 1 of the submissions does not count toward it. Last evaluated 2026-09-01.

Conditions:
RECQL4-related disorder. Also called: RECQL4-related condition; RECQL4-related disorders.
Inborn genetic diseases. Identifiers: MedGen C0950123, MeSH D030342.
Baller-Gerold syndrome (BGS). Also called: CRANIOSYNOSTOSIS WITH RADIAL DEFECTS. Identifiers: Orphanet 1225, MedGen C0265308, MONDO:0009039, OMIM 218600.

Allele frequency attached by ClinVar (database versions not stated): gnomAD exomes 0.00001; TOPMed 0.00001.
gnomAD v4.1: 13 of 1,612,608 alleles (0.00081%); highest among the groups gnomAD compares: East Asian, 0.0022%; no homozygotes.

Submissions (5):

CeGaT Center for Human Genetics Tuebingen
Classification: Likely benign. Last evaluated: 2026-09-01. Review status: criteria provided, single submitter. Criteria: CeGaT Center For Human Genetics Tuebingen Variant Classification Criteria Version 2. Collection method: clinical testing. Allele origin: germline. Affected: yes. Observed: 1 variant allele.
Comment: RECQL4: BP4, BP7

Labcorp Genetics (formerly Invitae), Labcorp
Classification: Likely benign for Baller-Gerold syndrome. Last evaluated: 2025-11-17. Review status: criteria provided, single submitter. Criteria: Invitae Variant Classification Sherloc (09022015). Collection method: clinical testing. Allele origin: germline.

Ambry Genetics
Classification: Likely benign for Inborn genetic diseases. Last evaluated: 2025-05-11. Review status: criteria provided, single submitter. Criteria: Ambry Variant Classification Scheme 2023. Collection method: clinical testing. Allele origin: germline.

Blueprint Genetics
Classification: Likely benign. Last evaluated: 2020-04-30. Review status: criteria provided, single submitter. Criteria: ACMG Guidelines, 2015. Collection method: clinical testing. Allele origin: germline.

PreventionGenetics, part of Exact Sciences
Classification: Likely benign for RECQL4-related condition. Last evaluated: 2022-04-15. Review status: no assertion criteria provided. Collection method: clinical testing. Allele origin: germline. Not counted in ClinVar's aggregate classification.
Comment: This variant is classified as likely benign based on ACMG/AMP sequence variant interpretation guidelines (Richards et al. 2015 PMID: 25741868, with internal and published modifications).

NM_004260.4(RECQL4):c.3450G>A (p.Arg1150=)

Gene: RECQL4 (RecQ like helicase 4; minus strand). Cytogenetic location: 8q24.3.
Variant type: single nucleotide variant.
Coding change: c.3450G>A on transcript NM_004260.4 (MANE Select); coding-DNA position 3450, G replaced by A.
Protein change: p.Arg1150=; no amino-acid change (arginine 1150 retained).
Molecular consequence: synonymous variant.
Genome position (GRCh38, 1-based): chr8:144,511,733, C>T on the plus strand (G>A on the coding strand, the complement: RECQL4 is on the minus strand). VCF-style: chr8-144511733-C-T. GRCh37 (hg19) VCF-style: chr8-145737116-C-T.
Identifiers: ClinVar variation 459479 (VCV000459479.15), dbSNP rs1554895831, ClinGen allele CA463565522.
Genomic context (GRCh38, chr8:144,511,733, plus strand): 5'-GGCCTCACCGATGCCGTGGAAGATGCGGGCCACAGCCCTGCTGGAGAACTTCTCCTCTGG[C>T]CTCAGGGACAGGAACTGGCGGATGTCGCAGCGGACCTGGTCCTCCCAATCCTGGAGCTGT-3'
Protein context (NP_004251.4, residues 1140-1160): RCDIRQFLSL[Arg1150=]PEEKFSSRAV